The following is an entry in ClinVar:

ClinVar aggregate classification (germline): Uncertain significance (1 of 4 stars; one submission).

Conditions:
Dyskeratosis congenita. Identifiers: Orphanet 1775, MedGen C0265965, MONDO:0015780.

Submission:

Labcorp Genetics (formerly Invitae), Labcorp
Classification: Uncertain significance for Dyskeratosis congenita. Last evaluated: 2025-06-18. Review status: criteria provided, single submitter. Criteria: Invitae Variant Classification Sherloc (09022015). Collection method: clinical testing. Allele origin: germline.
Comment: This sequence change replaces serine, which is neutral and polar, with phenylalanine, which is neutral and non-polar, at codon 1150 of the CTC1 protein (p.Ser1150Phe). This variant is not present in population databases (gnomAD no frequency). This variant has not been reported in the literature in individuals affected with CTC1-related conditions. An algorithm developed to predict the effect of missense changes on protein structure and function outputs the following: PolyPhen-2: "Possibly Damaging". The phenylalanine amino acid residue is found in multiple mammalian species, which suggests that this missense change does not adversely affect protein function. In summary, the available evidence is currently insufficient to determine the role of this variant in disease. Therefore, it has been classified as a Variant of Uncertain Significance.

NM_025099.6(CTC1):c.3449C>T (p.Ser1150Phe)

Gene: CTC1 (CST telomere replication complex component 1; minus strand). Cytogenetic location: 17p13.1.
Variant type: single nucleotide variant.
Coding change: c.3449C>T on transcript NM_025099.6 (MANE Select); coding-DNA position 3449, C replaced by T.
Protein change: p.Ser1150Phe; replaces serine 1150 with phenylalanine.
Molecular consequence: missense variant. On other transcripts: non-coding transcript variant (1).
Genome position (GRCh38, 1-based): chr17:8,228,568, G>A on the plus strand (C>T on the coding strand, the complement: CTC1 is on the minus strand). VCF-style: chr17-8228568-G-A. GRCh37 (hg19) VCF-style: chr17-8131886-G-A.
Other names: c.3218C>T, p.Ser1073Phe (NM_001411067.1); short protein forms S1150F, S1073F.
Identifiers: ClinVar variation 4771667 (VCV004771667.1).